The following is an entry in ClinVar:

NM_153676.4(USH1C):c.381dup (p.Leu128fs)

Gene: USH1C (USH1 protein network component harmonin; minus strand). Cytogenetic location: 11p15.1.
Variant type: Duplication.
Coding change: c.381dup on transcript NM_153676.4 (MANE Select); coding-DNA position 381, one base duplicated (G; older notation c.381dupG).
Protein change: p.Leu128fs; shifts the reading frame from leucine 128.
Molecular consequence: frameshift variant. On other transcripts: non-coding transcript variant (1).
Genome position (GRCh38, 1-based): chr11:17,531,160, C duplicated on the plus strand (G on the coding strand, the reverse complement: USH1C is on the minus strand); the first of 3 consecutive C bases (chr11:17,531,160-17,531,162); duplicating any one gives the same sequence. VCF-style (leftmost placement, unchanged base first): chr11-17531159-G-GC. GRCh37 (hg19) VCF-style: chr11-17552706-G-GC.
Other names: c.381dup, p.Leu128fs (NM_001297764.2, NM_001440680.1, NM_001440681.1 and 5 more transcripts); c.414dup, p.Leu139fs (NM_001440679.1, NM_001440684.1, NM_001440686.1); short protein forms L128fs, L139fs.
Identifiers: ClinVar variation 5012117 (VCV005012117.1).
Genomic context (GRCh38, chr11:17,531,159, plus strand): 5'-GGAGGCAGGAGGTCCGAGGCCCTCGCTCCCCCTCCCCCGGACTCTGTTTGCTCACCTGGA[G>GC]CCCGACGCTGTCTGCCTGACCGCCTTTGATGAGGTGGGAGATGAAGAGCCCACAGCCAAA-3'

ClinVar aggregate classification (germline): Pathogenic (1 of 4 stars; one submission).

Conditions:
Usher syndrome type 1C. Also called: USHER SYNDROME, TYPE I, ACADIAN VARIETY. Identifiers: Orphanet 231169, Orphanet 886, MedGen C1848604, MONDO:0010171, OMIM 276904.

Submission:

Myriad Genetics, Inc.
Classification: Pathogenic for Usher syndrome type 1C. Last evaluated: 2023-09-27. Review status: criteria provided, single submitter. Criteria: Myriad Autosomal Dominant, Autosomal Recessive and X-Linked Classification Criteria (2023). Collection method: clinical testing. Allele origin: unknown.
Comment: NM_005709.3(USH1C):c.381dupG(L128Afs*21) is expected to be pathogenic in the context of USH1C-related disorders. This variant is predicted to lead to an abnormal or absent protein product due to the creation of a premature termination codon in USH1C, a gene where loss-of-function variants are known to be pathogenic. Please note: this variant was assessed in the context of healthy population screening.